The following is an entry in ClinVar:

NM_001127208.3(TET2):c.2276C>T (p.Thr759Ile)

Genes: TET2 (tet methylcytosine dioxygenase 2; plus strand), TET2-AS1 (TET2 antisense RNA 1; minus strand). Cytogenetic location: 4q24.
Variant type: single nucleotide variant.
Coding change: c.2276C>T on transcript NM_001127208.3 (MANE Select); coding-DNA position 2276, C replaced by T.
Protein change: p.Thr759Ile; replaces threonine 759 with isoleucine.
Molecular consequence: missense variant.
Genome position (GRCh38, 1-based): chr4:105,236,218, C>T. VCF-style: chr4-105236218-C-T. GRCh37 (hg19) VCF-style: chr4-106157375-C-T.
Other names: c.2276C>T, p.Thr759Ile (NM_017628.4); short protein forms T759I.
Identifiers: ClinVar variation 4727888 (VCV004727888.1).

ClinVar aggregate classification (germline): Uncertain significance (1 of 4 stars; one submission).

Submission:

Labcorp Genetics (formerly Invitae), Labcorp
Classification: Uncertain significance. Last evaluated: 2025-09-26. Review status: criteria provided, single submitter. Criteria: Invitae Variant Classification Sherloc (09022015). Collection method: clinical testing. Allele origin: germline.
Comment: This sequence change replaces threonine, which is neutral and polar, with isoleucine, which is neutral and non-polar, at codon 759 of the TET2 protein (p.Thr759Ile). This variant is not present in population databases (gnomAD no frequency). This variant has not been reported in the literature in individuals affected with TET2-related conditions. An algorithm developed to predict the effect of missense changes on protein structure and function (PolyPhen-2) suggests that this variant is likely to be tolerated. In summary, the available evidence is currently insufficient to determine the role of this variant in disease. Therefore, it has been classified as a Variant of Uncertain Significance.